The following is an entry in ClinVar:

ClinVar aggregate classification (germline): Pathogenic (1 of 4 stars; one submission).

Conditions:
NOTCH1-related disorder. Also called: NOTCH1-related disorders; NOTCH1-related condition.

Submission:

PreventionGenetics, part of Exact Sciences
Classification: Pathogenic for NOTCH1-related condition. Last evaluated: 2023-05-10. Review status: criteria provided, single submitter. Criteria: ACMG Guidelines, 2015. Collection method: clinical testing. Allele origin: germline.
Comment: The NOTCH1 c.2436delG variant is predicted to result in a frameshift and premature protein termination (p.Tyr813Thrfs*63). To our knowledge, this variant has not been reported in the literature or in a large population database, indicating this variant is rare. Frameshift variants in NOTCH1 are expected to be pathogenic. This variant is interpreted as pathogenic.

NM_017617.5(NOTCH1):c.2436del (p.Tyr813fs)

Gene: NOTCH1 (notch receptor 1; minus strand). Cytogenetic location: 9q34.3.
Variant type: Deletion.
Coding change: c.2436del on transcript NM_017617.5 (MANE Select); coding-DNA position 2436, one base deleted (G; older notation c.2436delG).
Protein change: p.Tyr813fs; shifts the reading frame from tyrosine 813.
Molecular consequence: frameshift variant.
Genome position (GRCh38, 1-based): chr9:136,513,052, C deleted on the plus strand (G on the coding strand, the reverse complement: NOTCH1 is on the minus strand); the first of 3 consecutive C bases (chr9:136,513,052-136,513,054); deleting any one gives the same sequence. VCF-style (leftmost placement, unchanged base first): chr9-136513051-AC-A. GRCh37 (hg19) VCF-style: chr9-139407503-AC-A.
Other names: short protein forms Y813fs.
Identifiers: ClinVar variation 2633308 (VCV002633308.1), dbSNP rs35768530, ClinGen allele CA2695199441.